The following is an entry in ClinVar:

NM_003919.3(SGCE):c.445A>G (p.Asn149Asp)

Genes: CASD1 (CAS1 domain sialic acid O acetyltransferase 1; plus strand), SGCE (sarcoglycan epsilon; minus strand). Cytogenetic location: 7q21.3.
Variant type: single nucleotide variant.
Coding change: c.445A>G on transcript NM_003919.3 (MANE Select); coding-DNA position 445, A replaced by G.
Protein change: p.Asn149Asp; replaces asparagine 149 with aspartic acid.
Molecular consequence: missense variant.
Genome position (GRCh38, 1-based): chr7:94,623,343, T>C on the plus strand (A>G on the coding strand, the complement: SGCE is on the minus strand). VCF-style: chr7-94623343-T-C. GRCh37 (hg19) VCF-style: chr7-94252655-T-C.
Other names: c.445A>G, p.Asn149Asp (NM_001099400.2, NM_001099401.2, NM_001346717.2); c.322A>G, p.Asn108Asp (NM_001301139.2, NM_001362809.2); c.553A>G, p.Asn185Asp (NM_001346713.2, NM_001346715.2); c.358A>G, p.Asn120Asp (NM_001346719.2, NM_001362807.2); c.172A>G, p.Asn58Asp (NM_001346720.2, NM_001362808.2); short protein forms N120D, N149D, N58D, N108D, N185D.
Identifiers: ClinVar variation 947586 (VCV000947586.11), dbSNP rs780589840, ClinGen allele CA4348801.
Genomic context (GRCh38, chr7:94,623,343, plus strand): 5'-CTTCTTATAAATAAGAAATGATCAACATATTTTCATACCTACCTTCTGCAGACATTATAT[T>C]AATTATCAAATTATGCCTTGCAGTCTCAAAGGTGCGCCTGTTGTAGGCAGTTATCTATTA-3'
Protein context (NP_003910.1, residues 139-159): FETARHNLII[Asn149Asp]IMSAEDFPLP

ClinVar aggregate classification (germline): Uncertain significance (1 of 4 stars; one submission).

Conditions:
Myoclonic dystonia 11 (DYT11). Also called: DYT-SGCE; Myoclonic dystonia; Dystonia 11; Dystonia, alcohol responsive; Hereditary essential myoclonus; SGCE Myoclonus-Dystonia. Identifiers: Orphanet 36899, MedGen C1834570, MONDO:0008044, OMIM 159900.

Allele frequency attached by ClinVar (database versions not stated): ExAC 0.00003; TOPMed 0.00003; gnomAD exomes 0.00004.
gnomAD v4.1: 14 of 1,598,280 alleles (0.00088%); highest among the groups gnomAD compares: Admixed American, 0.023%; no homozygotes.

Submission:

Labcorp Genetics (formerly Invitae), Labcorp
Classification: Uncertain significance for Myoclonic dystonia 11. Last evaluated: 2025-04-28. Review status: criteria provided, single submitter. Criteria: Invitae Variant Classification Sherloc (09022015). Collection method: clinical testing. Allele origin: germline.
Comment: This sequence change replaces asparagine, which is neutral and polar, with aspartic acid, which is acidic and polar, at codon 149 of the SGCE protein (p.Asn149Asp). This variant is present in population databases (rs780589840, gnomAD 0.03%). This variant has not been reported in the literature in individuals affected with SGCE-related conditions. ClinVar contains an entry for this variant (Variation ID: 947586). Invitae Evidence Modeling of protein sequence and biophysical properties (such as structural, functional, and spatial information, amino acid conservation, physicochemical variation, residue mobility, and thermodynamic stability) indicates that this missense variant is not expected to disrupt SGCE protein function with a negative predictive value of 80%. In summary, the available evidence is currently insufficient to determine the role of this variant in disease. Therefore, it has been classified as a Variant of Uncertain Significance.